The following is an entry in ClinVar:

NM_182931.3(KMT2E):c.1483G>T (p.Asp495Tyr)

Gene: KMT2E (lysine methyltransferase 2E (inactive); plus strand). Cytogenetic location: 7q22.3.
Variant type: single nucleotide variant.
Coding change: c.1483G>T on transcript NM_182931.3 (MANE Select); coding-DNA position 1483, G replaced by T.
Protein change: p.Asp495Tyr; replaces aspartic acid 495 with tyrosine.
Molecular consequence: missense variant.
Genome position (GRCh38, 1-based): chr7:105,090,133, G>T. VCF-style: chr7-105090133-G-T. GRCh37 (hg19) VCF-style: chr7-104730580-G-T.
Other names: c.1483G>T, p.Asp495Tyr (NM_001410908.1, NM_018682.4); short protein forms D495Y.
Identifiers: ClinVar variation 3664854 (VCV003664854.2).

ClinVar aggregate classification (germline): Uncertain significance (1 of 4 stars; one submission).

Submission:

Labcorp Genetics (formerly Invitae), Labcorp
Classification: Uncertain significance. Last evaluated: 2024-09-06. Review status: criteria provided, single submitter. Criteria: Invitae Variant Classification Sherloc (09022015). Collection method: clinical testing. Allele origin: germline.
Comment: This sequence change replaces aspartic acid, which is acidic and polar, with tyrosine, which is neutral and polar, at codon 495 of the KMT2E protein (p.Asp495Tyr). This variant is not present in population databases (gnomAD no frequency). This variant has not been reported in the literature in individuals affected with KMT2E-related conditions. An algorithm developed to predict the effect of missense changes on protein structure and function (PolyPhen-2) suggests that this variant is likely to be tolerated. In summary, the available evidence is currently insufficient to determine the role of this variant in disease. Therefore, it has been classified as a Variant of Uncertain Significance.